The following is an entry in ClinVar:

NM_000179.3(MSH6):c.1295T>G (p.Phe432Cys)

Gene: MSH6 (mutS homolog 6; plus strand). Cytogenetic location: 2p16.3.
Variant type: single nucleotide variant.
Coding change: c.1295T>G on transcript NM_000179.3 (MANE Select); coding-DNA position 1295, T replaced by G.
Protein change: p.Phe432Cys; replaces phenylalanine 432 with cysteine.
Molecular consequence: missense variant.
Genome position (GRCh38, 1-based): chr2:47,799,278, T>G. VCF-style: chr2-47799278-T-G. GRCh37 (hg19) VCF-style: chr2-48026417-T-G.
Other names: c.905T>G, p.Phe302Cys (NM_001281492.2); c.389T>G, p.Phe130Cys (NM_001281493.2, NM_001281494.2); short protein forms F130C, F302C, F432C.
Identifiers: ClinVar variation 649648 (VCV000649648.11), dbSNP rs750528093, ClinGen allele CA067459.
Genomic context (GRCh38, chr2:47,799,278, plus strand): 5'-AGTGGTGGCAGATTAAGTCTCAGAACTTTGATCTTGTCATCTGTTACAAGGTGGGGAAAT[T>G]TTATGAGCTGTACCACATGGATGCTCTTATTGGAGTCAGTGAACTGGGGCTGGTATTCAT-3'
Protein context (NP_000170.1, residues 422-442): DLVICYKVGK[Phe432Cys]YELYHMDALI

ClinVar aggregate classification (germline): Conflicting classifications of pathogenicity. Review status: criteria provided, conflicting classifications (1 of 4 stars). 2 submissions from 2 submitters: Likely pathogenic (1); Uncertain significance (1). Last evaluated 2022-11-29.

Conditions:
Hereditary cancer-predisposing syndrome. Also called: Neoplastic Syndromes, Hereditary; Tumor predisposition; Hereditary Cancer Syndrome; Hereditary neoplastic syndrome. Identifiers: Orphanet 140162, MedGen C0027672, MeSH D009386, MONDO:0015356.
Hereditary nonpolyposis colorectal neoplasms. Identifiers: MedGen C0009405, MeSH D003123.

Allele frequency attached by ClinVar (database versions not stated): gnomAD exomes below 0.00001; ExAC 0.00001.

Submissions (2):

Labcorp Genetics (formerly Invitae), Labcorp
Classification: Likely pathogenic for Hereditary nonpolyposis colorectal neoplasms. Last evaluated: 2022-11-29. Review status: criteria provided, single submitter. Criteria: Invitae Variant Classification Sherloc (09022015). Collection method: clinical testing. Allele origin: germline.
Comment: This sequence change replaces phenylalanine, which is neutral and non-polar, with cysteine, which is neutral and slightly polar, at codon 432 of the MSH6 protein (p.Phe432Cys). This variant is present in population databases (rs750528093, gnomAD 0.0009%). This missense change has been observed in individual(s) with MSH6-related conditions (PMID: 30217226). ClinVar contains an entry for this variant (Variation ID: 649648). Advanced modeling of protein sequence and biophysical properties (such as structural, functional, and spatial information, amino acid conservation, physicochemical variation, residue mobility, and thermodynamic stability) performed at Invitae indicates that this missense variant is expected to disrupt MSH6 protein function. This variant disrupts the p.Phe432 amino acid residue in MSH6. Other variant(s) that disrupt this residue have been determined to be pathogenic (PMID: 3195077; Invitae). This suggests that this residue is clinically significant, and that variants that disrupt this residue are likely to be disease-causing. In summary, the currently available evidence indicates that the variant is pathogenic, but additional data are needed to prove that conclusively. Therefore, this variant has been classified as Likely Pathogenic.

Ambry Genetics
Classification: Uncertain significance for Hereditary cancer-predisposing syndrome. Last evaluated: 2019-01-22. Review status: criteria provided, single submitter. Criteria: Ambry Variant Classification Scheme 2023. Collection method: clinical testing. Allele origin: germline.
Comment: The p.F432C variant (also known as c.1295T>G), located in coding exon 4 of the MSH6 gene, results from a T to G substitution at nucleotide position 1295. The phenylalanine at codon 432 is replaced by cysteine, an amino acid with highly dissimilar properties. This amino acid position is highly conserved in available vertebrate species. In addition, this alteration is predicted to be deleterious by in silico analysis. In addition, the CoDP in silico tool predicts this alteration to have a major impact on molecular function, with a score of 0.999 (Terui H et al. J. Biomed. Sci. 2013 Apr;20:25). Since supporting evidence is limited at this time, the clinical significance of this alteration remains unclear.

Literature cited by the submitters: PubMed 30217226 (cited by Labcorp Genetics (formerly Invitae), Labcorp); PubMed 3195077 (cited by Labcorp Genetics (formerly Invitae), Labcorp).